The following is an entry in ClinVar:

NM_018006.5(TRMU):c.768T>C (p.His256=)

Gene: TRMU (tRNA mitochondrial 2-thiouridylase; plus strand). Cytogenetic location: 22q13.31.
Variant type: single nucleotide variant.
Coding change: c.768T>C on transcript NM_018006.5 (MANE Select); coding-DNA position 768, T replaced by C.
Protein change: p.His256=; no amino-acid change (histidine 256 retained).
Molecular consequence: synonymous variant. On other transcripts: non-coding transcript variant (2).
Genome position (GRCh38, 1-based): chr22:46,352,326, T>C. VCF-style: chr22-46352326-T-C. GRCh37 (hg19) VCF-style: chr22-46748223-T-C.
Other names: c.426T>C, p.His142= (NM_001282782.2); c.348T>C, p.His116= (NM_001282783.2, NM_001282784.2); c.768T>C, p.His256= (NM_001282785.2).
Identifiers: ClinVar variation 510085 (VCV000510085.9), dbSNP rs1555899299, ClinGen allele CA514925603.

ClinVar aggregate classification (germline): Likely benign. Review status: criteria provided, multiple submitters, no conflicts (2 of 4 stars). 2 submissions from 2 submitters: Likely benign (2). Last evaluated 2023-02-09.

Submissions (2):

Labcorp Genetics (formerly Invitae), Labcorp
Classification: Likely benign. Last evaluated: 2023-02-09. Review status: criteria provided, single submitter. Criteria: Invitae Variant Classification Sherloc (09022015). Collection method: clinical testing. Allele origin: germline.

GeneDx
Classification: Likely benign. Last evaluated: 2017-06-19. Review status: criteria provided, single submitter. Criteria: GeneDx Variant Classification (06012015). Collection method: clinical testing. Allele origin: germline. Affected: yes.
Comment: This variant is considered likely benign or benign based on one or more of the following criteria: it is a conservative change, it occurs at a poorly conserved position in the protein, it is predicted to be benign by multiple in silico algorithms, and/or has population frequency not consistent with disease.